The following is an entry in ClinVar:

ClinVar aggregate classification (germline): Conflicting classifications of pathogenicity. Review status: criteria provided, conflicting classifications (1 of 4 stars). 11 submissions from 7 submitters: Uncertain significance (1); Benign (6); Likely benign (3). 1 of the submissions does not count toward it. Last evaluated 2026-02-03.

Conditions:
Hyperkalemic periodic paralysis. Also called: Familial hyperkalemic periodic paralysis; Gamstorp disease. Identifiers: Orphanet 682, MedGen C0238357, MONDO:0008224, OMIM 170500, HP:0007215.
Hypokalemic periodic paralysis, type 2 (HOKPP2). Identifiers: Orphanet 681, MedGen C2750061, MONDO:0013234, OMIM 613345.
SCN4A-related disorder. Also called: SCN4A-related disorders.
Congenital myasthenic syndrome 16. Identifiers: Orphanet 590, MedGen C3280112, MONDO:0013620, OMIM 614198.
Paramyotonia congenita of Von Eulenburg. Also called: Paramyotonia Congenita; Eulenburg disease; Myotonia congenita intermittens; Von Eulenburg paramyotonia congenita; PARALYSIS PERIODICA PARAMYOTONICA. Identifiers: Orphanet 684, MedGen C0221055, MONDO:0008195, OMIM 168300. Disease mechanism: loss of function.
Potassium-aggravated myotonia. Also called: SODIUM CHANNEL MUSCLE DISEASE; MYOTONIA CONGENITA, ACETAZOLAMIDE-RESPONSIVE; MYOTONIA CONGENITA, ATYPICAL; Myotonia congenita, atypical, acetazolamide-responsive. Identifiers: Orphanet 612, Orphanet 99734, Orphanet 99735, Orphanet 99736, MedGen C2931826, MONDO:0018959, OMIM 608390.

Allele frequency attached by ClinVar (database versions not stated): 1000 Genomes Project 0.00020; gnomAD exomes 0.00079; ESP Exome Variant Server 0.00094; 1000 Genomes Project 30x 0.00016; gnomAD 0.00040 and 0.00042; TOPMed 0.00047; ExAC 0.00083.

Submissions (11):

Labcorp Genetics (formerly Invitae), Labcorp
Classification: Benign for Hyperkalemic periodic paralysis. Last evaluated: 2026-02-03. Review status: criteria provided, single submitter. Criteria: Invitae Variant Classification Sherloc (09022015). Collection method: clinical testing. Allele origin: germline.

CeGaT Center for Human Genetics Tuebingen
Classification: Likely benign. Last evaluated: 2026-01-01. Review status: criteria provided, single submitter. Criteria: CeGaT Center For Human Genetics Tuebingen Variant Classification Criteria Version 2. Collection method: clinical testing. Allele origin: germline. Affected: yes. Observed: 2 variant alleles.
Comment: SCN4A: BS2

Blueprint Genetics
Classification: Likely benign. Last evaluated: 2024-08-07. Review status: criteria provided, single submitter. Criteria: ACMG Guidelines, 2015. Collection method: clinical testing. Allele origin: germline.

Athena Diagnostics
Classification: Benign. Last evaluated: 2024-05-16. Review status: criteria provided, single submitter. Criteria: Athena Diagnostics Criteria. Collection method: clinical testing. Allele origin: unknown.

GeneDx
Classification: Likely benign. Last evaluated: 2021-05-20. Review status: criteria provided, single submitter. Criteria: GeneDx Variant Classification Process June 2021. Collection method: clinical testing. Allele origin: germline. Affected: yes.
Comment: This variant is associated with the following publications: (PMID: 8242056)

Illumina Laboratory Services, Illumina
Classification: Benign for Potassium-aggravated myotonia. Last evaluated: 2018-01-12. Review status: criteria provided, single submitter. Criteria: ICSL Variant Classification Criteria 13 December 2019. Collection method: clinical testing. Allele origin: germline.
Comment: This variant was observed in the ICSL laboratory as part of a predisposition screen in an ostensibly healthy population. It had not been previously curated by ICSL or reported in the Human Gene Mutation Database (HGMD: prior to June 1st, 2018), and was therefore a candidate for classification through an automated scoring system. Utilizing variant allele frequency, disease prevalence and penetrance estimates, and inheritance mode, an automated score was calculated to assess if this variant is too frequent to cause the disease. Based on the score and internal cut-off values, a variant classified as benign is not then subjected to further curation. The score for this variant resulted in a classification of benign for this disease.

Illumina Laboratory Services, Illumina
Classification: Benign for Hypokalemic periodic paralysis, type 2. Last evaluated: 2018-01-12. Review status: criteria provided, single submitter. Criteria: ICSL Variant Classification Criteria 13 December 2019. Collection method: clinical testing. Allele origin: germline.
Comment: the same text as in the submission from Illumina Laboratory Services, Illumina above.

Illumina Laboratory Services, Illumina
Classification: Benign for Hyperkalemic periodic paralysis. Last evaluated: 2018-01-12. Review status: criteria provided, single submitter. Criteria: ICSL Variant Classification Criteria 13 December 2019. Collection method: clinical testing. Allele origin: germline.
Comment: the same text as in the submission from Illumina Laboratory Services, Illumina above.

Illumina Laboratory Services, Illumina
Classification: Benign for Paramyotonia congenita of Von Eulenburg. Last evaluated: 2018-01-12. Review status: criteria provided, single submitter. Criteria: ICSL Variant Classification Criteria 13 December 2019. Collection method: clinical testing. Allele origin: germline.
Comment: the same text as in the submission from Illumina Laboratory Services, Illumina above.

Illumina Laboratory Services, Illumina
Classification: Uncertain significance for Congenital myasthenic syndrome 16. Last evaluated: 2018-01-12. Review status: criteria provided, single submitter. Criteria: ICSL Variant Classification Criteria 13 December 2019. Collection method: clinical testing. Allele origin: germline.

PreventionGenetics, part of Exact Sciences
Classification: Benign for SCN4A-related condition. Last evaluated: 2023-03-28. Review status: no assertion criteria provided. Collection method: clinical testing. Allele origin: germline. Not counted in ClinVar's aggregate classification.
Comment: This variant is classified as benign based on ACMG/AMP sequence variant interpretation guidelines (Richards et al. 2015 PMID: 25741868, with internal and published modifications).

Literature cited by the submitters: PubMed 8242056 (cited by Athena Diagnostics); PubMed 29970176 (cited by Athena Diagnostics); PubMed 29590070 (cited by Athena Diagnostics); PubMed 27957625 (cited by Athena Diagnostics); PubMed 27001614 (cited by Athena Diagnostics).

NM_000334.4(SCN4A):c.403A>C (p.Met135Leu)

Gene: SCN4A (sodium voltage-gated channel alpha subunit 4; minus strand). Cytogenetic location: 17q23.3.
Variant type: single nucleotide variant.
Coding change: c.403A>C on transcript NM_000334.4 (MANE Select); coding-DNA position 403, A replaced by C.
Protein change: p.Met135Leu; replaces methionine 135 with leucine.
Molecular consequence: missense variant.
Genome position (GRCh38, 1-based): chr17:63,972,215, T>G on the plus strand (A>C on the coding strand, the complement: SCN4A is on the minus strand). VCF-style: chr17-63972215-T-G. GRCh37 (hg19) VCF-style: chr17-62049575-T-G.
Other names: short protein forms M135L.
Identifiers: ClinVar variation 255852 (VCV000255852.64), dbSNP rs148028364, ClinGen allele CA8710164.